The following is an entry in ClinVar:

NM_001558.4(IL10RA):c.144C>T (p.Ile48=)

Gene: IL10RA (interleukin 10 receptor subunit alpha; plus strand). Cytogenetic location: 11q23.3.
Variant type: single nucleotide variant.
Coding change: c.144C>T on transcript NM_001558.4 (MANE Select); coding-DNA position 144, C replaced by T.
Protein change: p.Ile48=; no amino-acid change (isoleucine 48 retained).
Molecular consequence: synonymous variant. On other transcripts: non-coding transcript variant (1).
Genome position (GRCh38, 1-based): chr11:117,988,458, C>T. VCF-style: chr11-117988458-C-T. GRCh37 (hg19) VCF-style: chr11-117859173-C-T.
Identifiers: ClinVar variation 302537 (VCV000302537.16), dbSNP rs140466541, ClinGen allele CA6298842.

ClinVar aggregate classification (germline): Benign/Likely benign. Review status: criteria provided, multiple submitters, no conflicts (2 of 4 stars). 3 submissions from 3 submitters: Benign (1); Likely benign (2). Last evaluated 2026-01-24.

Conditions:
Inflammatory bowel disease 28. Also called: Inflammatory bowel disease 28, early onset, autosomal recessive. Identifiers: Orphanet 238569, MedGen C2751053, MONDO:0013153, OMIM 613148.

Allele frequency attached by ClinVar (database versions not stated): gnomAD exomes 0.00016 and 0.00040; ExAC 0.00051; gnomAD 0.00161 and 0.00178; 1000 Genomes Project 0.00180; TOPMed 0.00185; 1000 Genomes Project 30x 0.00187; ESP Exome Variant Server 0.00254.
gnomAD v4.1: 479 of 1,614,182 alleles (0.03%); highest among the groups gnomAD compares: African/African-American, 0.6%; 1 homozygote.

Submissions (3):

Labcorp Genetics (formerly Invitae), Labcorp
Classification: Benign for Inflammatory bowel disease 28. Last evaluated: 2026-01-24. Review status: criteria provided, single submitter. Criteria: Invitae Variant Classification Sherloc (09022015). Collection method: clinical testing. Allele origin: germline.

Blueprint Genetics
Classification: Likely benign. Last evaluated: 2024-11-13. Review status: criteria provided, single submitter. Criteria: ACMG Guidelines, 2015. Collection method: clinical testing. Allele origin: germline.

Illumina Laboratory Services, Illumina
Classification: Likely benign for Inflammatory bowel disease 28. Last evaluated: 2018-01-13. Review status: criteria provided, single submitter. Criteria: ICSL Variant Classification Criteria 13 December 2019. Collection method: clinical testing. Allele origin: germline.
Comment: This variant was observed in the ICSL laboratory as part of a predisposition screen in an ostensibly healthy population. It had not been previously curated by ICSL or reported in the Human Gene Mutation Database (HGMD: prior to June 1st, 2018), and was therefore a candidate for classification through an automated scoring system. Utilizing variant allele frequency, disease prevalence and penetrance estimates, and inheritance mode, an automated score was calculated to assess if this variant is too frequent to cause the disease. Based on the score and internal cut-off values, a variant classified as likely benign is not then subjected to further curation. The score for this variant resulted in a classification of likely benign for this disease.